The following is an entry in ClinVar:

NM_000063.6(C2):c.1169A>C (p.Asp390Ala)

Genes: C2 (complement C2; plus strand), C2-AS1 (C2 antisense RNA 1; minus strand). Cytogenetic location: 6p21.33.
Variant type: single nucleotide variant.
Coding change: c.1169A>C on transcript NM_000063.6 (MANE Select); coding-DNA position 1169, A replaced by C.
Protein change: p.Asp390Ala; replaces aspartic acid 390 with alanine.
Molecular consequence: missense variant.
Genome position (GRCh38, 1-based): chr6:31,939,270, A>C. VCF-style: chr6-31939270-A-C. GRCh37 (hg19) VCF-style: chr6-31907047-A-C.
Other names: c.773A>C, p.Asp258Ala (NM_001145903.3); c.527A>C, p.Asp176Ala (NM_001178063.3); c.431A>C, p.Asp144Ala (NM_001282457.2); c.1082A>C, p.Asp361Ala (NM_001282458.2); c.1169A>C (NM_000063.5); short protein forms D144A, D176A, D390A, D361A, D258A.
Identifiers: ClinVar variation 905443 (VCV000905443.11), dbSNP rs142088624, ClinGen allele CA3727638.
Genomic context (GRCh38, chr6:31,939,270, plus strand): 5'-TCTTTATTCTCTTTGTTCTAGGAAAGTCCAATATGGGTGGCTCTCCCAAGACAGCTGTTG[A>C]CCATATCAGAGAGATCCTGAACATCAACCAGAAGAGGAATGACTATCTGGGTGAGCCCCT-3'
Protein context (NP_000054.2, residues 380-400): NMGGSPKTAV[Asp390Ala]HIREILNINQ

ClinVar aggregate classification (germline): Uncertain significance. Review status: criteria provided, multiple submitters, no conflicts (2 of 4 stars). 5 submissions from 4 submitters: Uncertain significance (4). 1 of the submissions does not count toward it. Last evaluated 2024-08-14.

Conditions:
Complement component 2 deficiency (C2D). Also called: C2 deficiency. Identifiers: MedGen C0398756, MONDO:0009006, OMIM 217000.
C2-related disorder. Also called: C2-related condition; C2-related disorders.
Age related macular degeneration 14. Also called: MACULAR DEGENERATION, AGE-RELATED, 14, REDUCED RISK OF. Identifiers: MedGen C3809653, MONDO:0014207, OMIM 615489.

Allele frequency attached by ClinVar (database versions not stated): ExAC 0.00005; gnomAD exomes 0.00005 and 0.00006; TOPMed 0.00005; ESP Exome Variant Server 0.00012; gnomAD 0.00013 and 0.00014.

Submissions (5):

Ambry Genetics
Classification: Uncertain significance. Last evaluated: 2024-08-14. Review status: criteria provided, single submitter. Criteria: Ambry Variant Classification Scheme 2023. Collection method: clinical testing. Allele origin: germline.

Labcorp Genetics (formerly Invitae), Labcorp
Classification: Uncertain significance. Last evaluated: 2022-10-24. Review status: criteria provided, single submitter. Criteria: Invitae Variant Classification Sherloc (09022015). Collection method: clinical testing. Allele origin: germline.
Comment: This sequence change replaces aspartic acid, which is acidic and polar, with alanine, which is neutral and non-polar, at codon 390 of the C2 protein (p.Asp390Ala). This variant is present in population databases (rs142088624, gnomAD 0.02%). This variant has not been reported in the literature in individuals affected with C2-related conditions. ClinVar contains an entry for this variant (Variation ID: 905443). Advanced modeling of protein sequence and biophysical properties (such as structural, functional, and spatial information, amino acid conservation, physicochemical variation, residue mobility, and thermodynamic stability) performed at Invitae indicates that this missense variant is not expected to disrupt C2 protein function. In summary, the available evidence is currently insufficient to determine the role of this variant in disease. Therefore, it has been classified as a Variant of Uncertain Significance.

Illumina Laboratory Services, Illumina
Classification: Uncertain significance for Complement component 2 deficiency. Last evaluated: 2018-01-13. Review status: criteria provided, single submitter. Criteria: ICSL Variant Classification Criteria 13 December 2019. Collection method: clinical testing. Allele origin: germline.

Illumina Laboratory Services, Illumina
Classification: Uncertain significance for Age related macular degeneration 14. Last evaluated: 2018-01-13. Review status: criteria provided, single submitter. Criteria: ICSL Variant Classification Criteria 13 December 2019. Collection method: clinical testing. Allele origin: germline.

PreventionGenetics, part of Exact Sciences
Classification: Likely benign for C2-related condition. Last evaluated: 2020-02-19. Review status: no assertion criteria provided. Collection method: clinical testing. Allele origin: germline. Not counted in ClinVar's aggregate classification.
Comment: This variant is classified as likely benign based on ACMG/AMP sequence variant interpretation guidelines (Richards et al. 2015 PMID: 25741868, with internal and published modifications).